The following is an entry in ClinVar:

NM_006579.3(EBP):c.386G>A (p.Trp129Ter)

Gene: EBP (EBP cholestenol delta-isomerase; plus strand). Cytogenetic location: Xp11.23.
Variant type: single nucleotide variant.
Coding change: c.386G>A on transcript NM_006579.3 (MANE Select); coding-DNA position 386, G replaced by A.
Protein change: p.Trp129Ter; replaces tryptophan 129 with a stop codon.
Molecular consequence: nonsense.
Genome position (GRCh38, 1-based): chrX:48,527,202, G>A. VCF-style: chrX-48527202-G-A. GRCh37 (hg19) VCF-style: chrX-48385590-G-A.
Other names: short protein forms W129*.
Identifiers: ClinVar variation 11489 (VCV000011489.3), dbSNP rs104894792, ClinGen allele CA255901.

ClinVar aggregate classification (germline): Pathogenic. Review status: criteria provided, single submitter (1 of 4 stars). 2 submissions from 2 submitters: Pathogenic (1). 1 of the submissions does not count toward it. Last evaluated 2026-01-16.

Conditions:
Chondrodysplasia punctata 2 X-linked dominant (CDPX2). Also called: Hunermann-Conradi Syndrome; CONRADI-HUNERMANN-HAPPLE SYNDROME; HAPPLE SYNDROME; EBP-Related X-Linked Chondrodysplasia Punctata. Identifiers: Orphanet 35173, MedGen C0282102, MONDO:0020603, OMIM 302960.

Submissions (2):

Labcorp Genetics (formerly Invitae), Labcorp
Classification: Pathogenic. Last evaluated: 2026-01-16. Review status: criteria provided, single submitter. Criteria: Invitae Variant Classification Sherloc (09022015). Collection method: clinical testing. Allele origin: germline.
Comment: This sequence change creates a premature translational stop signal (p.Trp129*) in the EBP gene. It is expected to result in an absent or disrupted protein product. Loss-of-function variants in EBP are known to be pathogenic (PMID: 10391218). This variant is not present in population databases (gnomAD no frequency). This premature translational stop signal has been observed in individual(s) with X-linked dominant EBP-related conditions (PMID: 11038443). ClinVar contains an entry for this variant (Variation ID: 11489). For these reasons, this variant has been classified as Pathogenic.

OMIM
Classification: Pathogenic for CHONDRODYSPLASIA PUNCTATA 2, X-LINKED DOMINANT. Last evaluated: 2004-09-15. Review status: no assertion criteria provided. Collection method: literature only. Allele origin: germline. Not counted in ClinVar's aggregate classification.

Literature cited by the submitters: PubMed 10391218 (cited by Labcorp Genetics (formerly Invitae), Labcorp); PubMed 11038443 (cited by Labcorp Genetics (formerly Invitae), Labcorp); PubMed 15368506 (cited by OMIM).